The following is an entry in ClinVar:

ClinVar aggregate classification (germline): Uncertain significance (1 of 4 stars; one submission).

Allele frequency attached by ClinVar (database versions not stated): gnomAD exomes 0.00002; gnomAD 0.00003; TOPMed 0.00003.

Submission:

Labcorp Genetics (formerly Invitae), Labcorp
Classification: Uncertain significance. Last evaluated: 2025-05-11. Review status: criteria provided, single submitter. Criteria: Invitae Variant Classification Sherloc (09022015). Collection method: clinical testing. Allele origin: germline.
Comment: This sequence change replaces glycine, which is neutral and non-polar, with arginine, which is basic and polar, at codon 719 of the ERCC6L2 protein (p.Gly719Arg). This variant is present in population databases (no rsID available, gnomAD 0.004%). This variant has not been reported in the literature in individuals affected with ERCC6L2-related conditions. ClinVar contains an entry for this variant (Variation ID: 3010540). Experimental studies and prediction algorithms are not available or were not evaluated, and the functional significance of this variant is currently unknown. In summary, the available evidence is currently insufficient to determine the role of this variant in disease. Therefore, it has been classified as a Variant of Uncertain Significance.

NM_020207.7(ERCC6L2):c.2122G>C (p.Gly708Arg)

Gene: ERCC6L2 (ERCC excision repair 6 like 2; plus strand). Cytogenetic location: 9q22.32.
Variant type: single nucleotide variant.
Coding change: c.2122G>C on transcript NM_020207.7 (MANE Select); coding-DNA position 2122, G replaced by C.
Protein change: p.Gly708Arg; replaces glycine 708 with arginine.
Molecular consequence: missense variant. On other transcripts: non-coding transcript variant (1).
Genome position (GRCh38, 1-based): chr9:95,970,597, G>C. VCF-style: chr9-95970597-G-C. GRCh37 (hg19) VCF-style: chr9-98732879-G-C.
Other names: c.2122G>C, p.Gly708Arg (NM_001375291.1, NM_001375292.1, NM_001375293.1 and 1 more transcripts); short protein forms G708R.
Identifiers: ClinVar variation 3010540 (VCV003010540.2), dbSNP rs1011061954, ClinGen allele CA196596750.